The following is an entry in ClinVar:

ClinVar aggregate classification (germline): Uncertain significance (1 of 4 stars; one submission).

gnomAD v4.1: 3 of 1,551,816 alleles (0.00019%); highest among the groups gnomAD compares: Non-Finnish European, 0.00026%; no homozygotes.

Submission:

Ambry Genetics
Classification: Uncertain significance. Last evaluated: 2025-02-23. Review status: criteria provided, single submitter. Criteria: Ambry Variant Classification Scheme 2023. Collection method: clinical testing. Allele origin: germline.
Comment: The p.Q1966R variant (also known as c.5897A>G), located in coding exon 23 of the WNK2 gene, results from an A to G substitution at nucleotide position 5897. The glutamine at codon 1966 is replaced by arginine, an amino acid with highly similar properties. This amino acid position is conserved. In addition, the in silico prediction for this alteration is inconclusive. Based on the available evidence, the clinical significance of this variant remains unclear.

NM_006648.4(WNK2):c.5897A>G (p.Gln1966Arg)

Gene: WNK2 (WNK lysine deficient protein kinase 2; plus strand). Cytogenetic location: 9q22.31.
Variant type: single nucleotide variant.
Coding change: c.5897A>G on transcript NM_006648.4 (MANE Select); coding-DNA position 5897, A replaced by G.
Protein change: p.Gln1966Arg; replaces glutamine 1966 with arginine.
Molecular consequence: missense variant.
Genome position (GRCh38, 1-based): chr9:93,298,041, A>G. VCF-style: chr9-93298041-A-G. GRCh37 (hg19) VCF-style: chr9-96060323-A-G.
Other names: c.6008A>G, p.Gln2003Arg (NM_001282394.3); short protein forms Q2003R, Q1966R.
Identifiers: ClinVar variation 3333161 (VCV003333161.2).